The following is an entry in ClinVar:

ClinVar aggregate classification (germline): Pathogenic (1 of 4 stars; one submission).

Conditions:
Neuropathy, hereditary sensory and autonomic, type 2A (HSAN2A). Also called: WNK1-Related HSAN2 (HSAN2A); ACROOSTEOLYSIS, GIACCAI TYPE; ACROOSTEOLYSIS, NEUROGENIC; MORVAN DISEASE; NEUROPATHY, CONGENITAL SENSORY; NEUROPATHY, HEREDITARY SENSORY RADICULAR, AUTOSOMAL RECESSIVE. Identifiers: Orphanet 970, MedGen C2752089, MONDO:0024309, OMIM 201300.
Generalized epilepsy with febrile seizures plus, type 7 (GEFSP7). Also called: GEFS+, TYPE 7. Identifiers: Orphanet 36387, MedGen C2751778, MONDO:0013470, OMIM 613863.

Submission:

Labcorp Genetics (formerly Invitae), Labcorp
Classification: Pathogenic for Neuropathy, hereditary sensory and autonomic, type 2A; Generalized epilepsy with febrile seizures plus, type 7. Last evaluated: 2025-11-12. Review status: criteria provided, single submitter. Criteria: Invitae Variant Classification Sherloc (09022015). Collection method: clinical testing. Allele origin: germline.
Comment: This sequence change creates a premature translational stop signal (p.Asn1503Ilefs*17) in the SCN9A gene. It is expected to result in an absent or disrupted protein product. Loss-of-function variants in SCN9A are known to be pathogenic (PMID: 17470132, 19304393). This variant is not present in population databases (gnomAD no frequency). This variant has not been reported in the literature in individuals affected with SCN9A-related conditions. Algorithms developed to predict the effect of sequence changes on RNA splicing suggest that this variant may disrupt the consensus splice site. For these reasons, this variant has been classified as Pathogenic.

Literature cited by the submitters: PubMed 17470132; PubMed 19304393.

NM_001365536.1(SCN9A):c.4541del (p.Asn1514fs)

Genes: SCN1A-AS1 (SCN1A and SCN9A antisense RNA 1; plus strand), SCN9A (sodium voltage-gated channel alpha subunit 9; minus strand). Cytogenetic location: 2q24.3.
Variant type: Deletion.
Coding change: c.4541del on transcript NM_001365536.1 (MANE Select); coding-DNA position 4541, one base deleted (A; older notation c.4541delA).
Protein change: p.Asn1514fs; shifts the reading frame from asparagine 1514.
Molecular consequence: frameshift variant.
Genome position (GRCh38, 1-based): chr2:166,204,188, T deleted on the plus strand (A on the coding strand, the reverse complement: SCN9A is on the minus strand); the first of 3 consecutive T bases (chr2:166,204,188-166,204,190); deleting any one gives the same sequence. VCF-style (leftmost placement, unchanged base first): chr2-166204187-AT-A. GRCh37 (hg19) VCF-style: chr2-167060697-AT-A.
Other names: c.4508del, p.Asn1503fs (NM_002977.4); short protein forms N1503fs, N1514fs.
Identifiers: ClinVar variation 4786691 (VCV004786691.1).
Genomic context (GRCh38, chr2:166,204,187, plus strand): 5'-TACCATCATGGTTACCATGTTGAGACAGATAAGAACCATGATACTAATATCAAAGGCTTG[AT>A]TTGTCACTAGGTCAAATATACATCCTTGGATTTTGTTCTGCAAAGAAATAAGAATAATAT-3'